The following is an entry in ClinVar:

NM_000051.4(ATM):c.1128dup (p.Ser377fs)

Gene: ATM (ATM serine/threonine kinase; plus strand). Cytogenetic location: 11q22.3.
Variant type: Duplication.
Coding change: c.1128dup on transcript NM_000051.4 (MANE Select); coding-DNA position 1128, one base duplicated (A; older notation c.1128dupA).
Protein change: p.Ser377fs; shifts the reading frame from serine 377.
Molecular consequence: frameshift variant.
Genome position (GRCh38, 1-based): chr11:108,248,995, A duplicated; the last of 2 consecutive A bases (chr11:108,248,994-108,248,995); duplicating either gives the same sequence. VCF-style (leftmost placement, unchanged base first): chr11-108248993-G-GA. GRCh37 (hg19) VCF-style: chr11-108119720-G-GA.
Other names: c.1128dup, p.Ser377fs (NM_001351834.2); short protein forms S377fs.
Identifiers: ClinVar variation 3148345 (VCV003148345.1), dbSNP rs2497209457, ClinGen allele CA2825001768.

ClinVar aggregate classification (germline): Pathogenic (1 of 4 stars; one submission).

Conditions:
Familial cancer of breast. Also called: BREAST CANCER, FAMILIAL; Hereditary breast cancer; hereditary breast carcinoma. Identifiers: Orphanet 227535, MedGen C0346153, MONDO:0016419, OMIM 114480. Disease mechanism: loss of function.

Submission:

Myriad Genetics, Inc.
Classification: Pathogenic for Familial cancer of breast. Last evaluated: 2024-01-12. Review status: criteria provided, single submitter. Criteria: Myriad Autosomal Dominant, Autosomal Recessive and X-Linked Classification Criteria (2023). Collection method: clinical testing. Allele origin: unknown.
Comment: This variant is considered pathogenic. This variant creates a frameshift predicted to result in premature protein truncation.